The following is an entry in ClinVar:

ClinVar aggregate classification (germline): Uncertain significance (1 of 4 stars; one submission).

Conditions:
Hereditary cancer-predisposing syndrome. Also called: Neoplastic Syndromes, Hereditary; Tumor predisposition; Hereditary Cancer Syndrome; Hereditary neoplastic syndrome. Identifiers: Orphanet 140162, MedGen C0027672, MeSH D009386, MONDO:0015356.

Submission:

Ambry Genetics
Classification: Uncertain significance for Hereditary cancer-predisposing syndrome. Last evaluated: 2026-03-06. Review status: criteria provided, single submitter. Criteria: Ambry Variant Classification Scheme 2023. Collection method: clinical testing. Allele origin: germline.
Comment: The p.T123R variant (also known as c.368C>G), located in coding exon 3 of the SDHAF2 gene, results from a C to G substitution at nucleotide position 368. The threonine at codon 123 is replaced by arginine, an amino acid with similar properties. This amino acid position is conserved. In addition, this alteration is predicted to be deleterious by in silico analysis. Based on the available evidence, the clinical significance of this variant remains unclear.

NM_017841.4(SDHAF2):c.368C>G (p.Thr123Arg)

Gene: SDHAF2 (succinate dehydrogenase complex assembly factor 2; plus strand). Cytogenetic location: 11q12.2.
Variant type: single nucleotide variant.
Coding change: c.368C>G on transcript NM_017841.4 (MANE Select); coding-DNA position 368, C replaced by G.
Protein change: p.Thr123Arg; replaces threonine 123 with arginine.
Molecular consequence: missense variant.
Genome position (GRCh38, 1-based): chr11:61,438,111, C>G. VCF-style: chr11-61438111-C-G. GRCh37 (hg19) VCF-style: chr11-61205583-C-G.
Other names: short protein forms T123R.
Identifiers: ClinVar variation 4826037 (VCV004826037.1).